The following is an entry in ClinVar:

ClinVar aggregate classification (germline): Conflicting classifications of pathogenicity. Review status: criteria provided, conflicting classifications (1 of 4 stars). 7 submissions from 7 submitters: Uncertain significance (6); Likely benign (1). Last evaluated 2025-11-05.

Conditions:
Hereditary cancer-predisposing syndrome. Also called: Hereditary Cancer Syndrome; Hereditary neoplastic syndrome; Neoplastic Syndromes, Hereditary; Tumor predisposition. Identifiers: Orphanet 140162, MedGen C0027672, MeSH D009386, MONDO:0015356.
Hereditary breast ovarian cancer syndrome. Also called: BRCA1- and BRCA2-Associated Hereditary Breast and Ovarian Cancer; Hereditary breast and ovarian cancer syndrome (HBOC); Hereditary breast and ovarian cancer syndrome; Breast and ovarian cancer; Hereditary breast and ovarian cancer; Hereditary breast and/or ovarian cancer syndrome. Identifiers: Orphanet 145, MedGen C0677776, MeSH D061325, MONDO:0003582. Disease mechanism: loss of function.
Breast-ovarian cancer, familial, susceptibility to, 1 (BROVCA1). Also called: OVARIAN CANCER, SUSCEPTIBILITY TO; BRCA1 Hereditary Breast and Ovarian Cancer. Identifiers: Orphanet 145, MedGen C2676676, MONDO:0011450, OMIM 604370. Disease mechanism: loss of function.

Allele frequency attached by ClinVar (database versions not stated): TOPMed 0.00002.

Submissions (7):

Labcorp Genetics (formerly Invitae), Labcorp
Classification: Uncertain significance for Hereditary breast ovarian cancer syndrome. Last evaluated: 2025-11-05. Review status: criteria provided, single submitter. Criteria: Invitae Variant Classification Sherloc (09022015). Collection method: clinical testing. Allele origin: germline.
Comment: This sequence change replaces histidine, which is basic and polar, with arginine, which is basic and polar, at codon 839 of the BRCA1 protein (p.His839Arg). This variant is not present in population databases (gnomAD no frequency). This variant has not been reported in the literature in individuals affected with BRCA1-related conditions. ClinVar contains an entry for this variant (Variation ID: 821422). Invitae Evidence Modeling of protein sequence and biophysical properties (such as structural, functional, and spatial information, amino acid conservation, physicochemical variation, residue mobility, and thermodynamic stability) indicates that this missense variant is not expected to disrupt BRCA1 protein function with a negative predictive value of 80%. In summary, the available evidence is currently insufficient to determine the role of this variant in disease. Therefore, it has been classified as a Variant of Uncertain Significance.

Ambry Genetics
Classification: Uncertain significance for Hereditary cancer-predisposing syndrome. Last evaluated: 2025-10-06. Review status: criteria provided, single submitter. Criteria: Ambry Variant Classification Scheme 2023. Collection method: clinical testing. Allele origin: germline.
Comment: The p.H839R variant (also known as c.2516A>G), located in coding exon 9 of the BRCA1 gene, results from an A to G substitution at nucleotide position 2516. The histidine at codon 839 is replaced by arginine, an amino acid with highly similar properties. This amino acid position is not well conserved in available vertebrate species. In addition, the in silico prediction for this alteration is inconclusive. Since supporting evidence is limited at this time, the clinical significance of this alteration remains unclear.

Dasa
Classification: Uncertain significance for Breast-ovarian cancer, familial, susceptibility to, 1. Last evaluated: 2025-03-23. Review status: criteria provided, single submitter. Criteria: DASA Assertion Criteria. Collection method: clinical testing. Allele origin: germline.
Comment: NM_007294.4(BRCA1):c.2516A>G (p.His839Arg) is a missense variant that results in the substitution of histidine with arginine. Functional evidence supports a deleterious effect on the gene or gene product (PMID: 31911673). This variant has been reported in individuals with Breast-ovarian cancer, familial, susceptibility to, 1 (PMID: 31911673). The variant is present at low frequency in population datasets. Based on the available data, this variant is classified as variant of uncertain significance.

Quest Diagnostics Nichols Institute San Juan Capistrano
Classification: Uncertain significance. Last evaluated: 2023-07-04. Review status: criteria provided, single submitter. Criteria: Quest Diagnostics criteria. Collection method: clinical testing. Allele origin: unknown.
Comment: In the published literature, this variant has been reported to be located in a region of the BRCA1 gene that is tolerant to missense changes (PMID: 31911673 (2020)). This variant has not been reported in large, multi-ethnic general populations (Genome Aggregation Database). Analysis of this variant using bioinformatics tools for the prediction of the effect of amino acid changes on protein structure and function yielded conflicting predictions that this variant is benign or damaging. Based on the available information, we are unable to determine the clinical significance of this variant.

University of Washington Department of Laboratory Medicine, University of Washington
Classification: Likely benign for Hereditary cancer-predisposing syndrome. Last evaluated: 2023-03-23. Review status: criteria provided, single submitter. Criteria: Dines et al. (Genet Med. 2020). Collection method: curation. Allele origin: germline.
Comment: Missense variant in a coldspot region where missense variants are very unlikely to be pathogenic (PMID:31911673).

BRCA1 coldspot (exon 11 using historical exon numbering). Reclassification based on statistical prior probability

Women's Health and Genetics/Laboratory Corporation of America, LabCorp
Classification: Uncertain significance. Last evaluated: 2022-09-04. Review status: criteria provided, single submitter. Criteria: LabCorp Variant Classification Summary - May 2015. Collection method: clinical testing. Allele origin: germline.

Sema4
Classification: Uncertain significance for Hereditary cancer-predisposing syndrome. Last evaluated: 2021-08-23. Review status: criteria provided, single submitter. Criteria: Sema4 Curation Guidelines. Collection method: curation. Allele origin: germline.
Comment: The BRCA1 c.2516A>G (p.H839R) variant has not been reported in the literature to our knowledge. It was not observed in the large and broad cohorts of the Genome Aggregation Database (PMID: 32461654). The variant has been reported in ClinVar (Variation ID 821422). Functional studies have not been performed, and in silico predictions of the variant's effect on protein function are inconclusive. The evidence is insufficient to meet ACMG/AMP criteria for classifying the variant as benign or pathogenic. Thus, the clinical significance of this variant is currently uncertain.

Literature cited by the submitters: PubMed 31911673 (cited by Dasa and Quest Diagnostics Nichols Institute San Juan Capistrano).

NM_007294.4(BRCA1):c.2516A>G (p.His839Arg)

Gene: BRCA1 (BRCA1 DNA repair associated; minus strand). Cytogenetic location: 17q21.31.
Variant type: single nucleotide variant.
Coding change: c.2516A>G on transcript NM_007294.4 (MANE Select); coding-DNA position 2516, A replaced by G.
Protein change: p.His839Arg; replaces histidine 839 with arginine.
Molecular consequence: missense variant. On other transcripts: intron variant (137).
Genome position (GRCh38, 1-based): chr17:43,093,015, T>C on the plus strand (A>G on the coding strand, the complement: BRCA1 is on the minus strand). VCF-style: chr17-43093015-T-C. GRCh37 (hg19) VCF-style: chr17-41245032-T-C.
Other names: c.2303A>G, p.His768Arg (NM_001407571.1, NM_001407853.1, NM_001407894.1 and 9 more transcripts); c.2516A>G, p.His839Arg (NM_001407581.1, NM_001407582.1, NM_001407583.1 and 30 more transcripts); c.2513A>G, p.His838Arg (NM_001407587.1, NM_001407590.1, NM_001407591.1 and 22 more transcripts); c.2507A>G, p.His836Arg (NM_001407646.1, NM_001407647.1); c.2435A>G, p.His812Arg (NM_001407659.1, NM_001407660.1, NM_001407661.1 and 1 more transcripts); c.2438A>G, p.His813Arg (NM_001407663.1, NM_001407653.1, NM_001407654.1 and 4 more transcripts); c.2393A>G, p.His798Arg (NM_001407664.1, NM_001407665.1, NM_001407666.1 and 19 more transcripts); c.2390A>G, p.His797Arg (NM_001407685.1, NM_001407686.1, NM_001407940.1 and 11 more transcripts); and 41 more; short protein forms H792R, H839R, H543R, H750R, H751R, H771R, H791R, H813R.
Identifiers: ClinVar variation 821422 (VCV000821422.18), dbSNP rs1050289746, ClinGen allele CA10596962.